The following is an entry in ClinVar:

NM_002016.2(FLG):c.1791C>T (p.Ser597=)

Genes: CCDST (cervical cancer associated DHX9 suppressive transcript; plus strand), FLG (filaggrin; minus strand). Cytogenetic location: 1q21.3.
Variant type: single nucleotide variant.
Coding change: c.1791C>T on transcript NM_002016.2 (MANE Select); coding-DNA position 1791, C replaced by T.
Protein change: p.Ser597=; no amino-acid change (serine 597 retained).
Molecular consequence: synonymous variant.
Genome position (GRCh38, 1-based): chr1:152,313,095, G>A on the plus strand (C>T on the coding strand, the complement: FLG is on the minus strand). VCF-style: chr1-152313095-G-A. GRCh37 (hg19) VCF-style: chr1-152285571-G-A.
Identifiers: ClinVar variation 3043835 (VCV003043835.2), dbSNP rs112462459, ClinGen allele CA1107471.
Genomic context (GRCh38, chr1:152,313,095, plus strand): 5'-CTGGTTCCTACTTGTCCTGGGCCCCGATGATTGTCCCTGGCCCACCTGTGAGTGTCTAGA[G>A]CTGTCAGCCTGAGAGGAAGCTTCATGATGACGTGACCCTGAGTGCCTGGTGCCGTCTCCT-3'
Protein context (NP_002007.1, residues 587-607): RHHEASSQAD[Ser597=]SRHSQVGQGQ

ClinVar aggregate classification (germline): Likely benign (0 of 4 stars; one submission).

Conditions:
FLG-related disorder. Also called: FLG-related disorders; FLG-related condition.

Allele frequency attached by ClinVar (database versions not stated): 1000 Genomes Project 30x 0.01031; 1000 Genomes Project 0.01078.
gnomAD v4.1: 1,727 of 1,613,920 alleles (0.11%); highest among the groups gnomAD compares: East Asian, 3.1%; 32 homozygotes.

Submission:

PreventionGenetics, part of Exact Sciences
Classification: Likely benign for FLG-related condition. Last evaluated: 2024-06-28. Review status: no assertion criteria provided. Collection method: clinical testing. Allele origin: germline.
Comment: This variant is classified as likely benign based on ACMG/AMP sequence variant interpretation guidelines (Richards et al. 2015 PMID: 25741868, with internal and published modifications).